The following is an entry in ClinVar:

ClinVar aggregate classification (germline): Uncertain significance (1 of 4 stars; one submission).

Allele frequency attached by ClinVar (database versions not stated): TOPMed below 0.00001.
gnomAD v4.1: 14 of 1,614,118 alleles (0.00087%); highest among the groups gnomAD compares: Non-Finnish European, 0.0012%; no homozygotes.

Submission:

Labcorp Genetics (formerly Invitae), Labcorp
Classification: Uncertain significance. Last evaluated: 2023-03-27. Review status: criteria provided, single submitter. Criteria: Invitae Variant Classification Sherloc (09022015). Collection method: clinical testing. Allele origin: germline.
Comment: In summary, the available evidence is currently insufficient to determine the role of this variant in disease. Therefore, it has been classified as a Variant of Uncertain Significance. Advanced modeling of protein sequence and biophysical properties (such as structural, functional, and spatial information, amino acid conservation, physicochemical variation, residue mobility, and thermodynamic stability) performed at Invitae indicates that this missense variant is not expected to disrupt FLNB protein function. This variant has not been reported in the literature in individuals affected with FLNB-related conditions. This variant is not present in population databases (gnomAD no frequency). This sequence change replaces methionine, which is neutral and non-polar, with valine, which is neutral and non-polar, at codon 62 of the FLNB protein (p.Met62Val).

NM_001457.4(FLNB):c.184A>G (p.Met62Val)

Gene: FLNB (filamin B; plus strand). Cytogenetic location: 3p14.3.
Variant type: single nucleotide variant.
Coding change: c.184A>G on transcript NM_001457.4 (MANE Select); coding-DNA position 184, A replaced by G.
Protein change: p.Met62Val; replaces methionine 62 with valine.
Molecular consequence: missense variant.
Genome position (GRCh38, 1-based): chr3:58,008,748, A>G. VCF-style: chr3-58008748-A-G. GRCh37 (hg19) VCF-style: chr3-57994475-A-G.
Other names: c.184A>G, p.Met62Val (NM_001164317.2, NM_001164318.2, NM_001164319.2); short protein forms M62V.
Identifiers: ClinVar variation 2850297 (VCV002850297.3), dbSNP rs566615110, ClinGen allele CA353413171.